The following is an entry in ClinVar:

NM_004563.4(PCK2):c.848T>C (p.Met283Thr)

Genes: PCK2 (phosphoenolpyruvate carboxykinase 2, mitochondrial; plus strand), NRL (neural retina leucine zipper; minus strand). Cytogenetic location: 14q11.2.
Variant type: single nucleotide variant.
Coding change: c.848T>C on transcript NM_004563.4 (MANE Select); coding-DNA position 848, T replaced by C.
Protein change: p.Met283Thr; replaces methionine 283 with threonine.
Molecular consequence: missense variant. On other transcripts: intron variant (3).
Genome position (GRCh38, 1-based): chr14:24,099,232, T>C. VCF-style: chr14-24099232-T-C. GRCh37 (hg19) VCF-style: chr14-24568441-T-C.
Other names: c.848T>C, p.Met283Thr (NM_001018073.3); c.446T>C, p.Met149Thr (NM_001291556.2, NM_001308054.2); c.-28+15490A>G (NM_001354768.3, NM_001354770.2); c.-253-14487A>G (NM_006177.5); short protein forms M149T, M283T.
Identifiers: ClinVar variation 4709952 (VCV004709952.1).

ClinVar aggregate classification (germline): Uncertain significance (1 of 4 stars; one submission).

gnomAD v4.1: 53 of 1,592,628 alleles (0.0033%); highest among the groups gnomAD compares: East Asian, 0.12%; no homozygotes.

Submission:

Labcorp Genetics (formerly Invitae), Labcorp
Classification: Uncertain significance. Last evaluated: 2025-09-29. Review status: criteria provided, single submitter. Criteria: Invitae Variant Classification Sherloc (09022015). Collection method: clinical testing. Allele origin: germline.
Comment: This sequence change replaces methionine, which is neutral and non-polar, with threonine, which is neutral and polar, at codon 283 of the PCK2 protein (p.Met283Thr). This variant is present in population databases (rs77278246, gnomAD 0.01%). This variant has not been reported in the literature in individuals affected with PCK2-related conditions. Invitae Evidence Modeling of protein sequence and biophysical properties (such as structural, functional, and spatial information, amino acid conservation, physicochemical variation, residue mobility, and thermodynamic stability) indicates that this missense variant is expected to disrupt PCK2 protein function with a positive predictive value of 80%. In summary, the available evidence is currently insufficient to determine the role of this variant in disease. Therefore, it has been classified as a Variant of Uncertain Significance.